The following is an entry in ClinVar:

NM_002206.3(ITGA7):c.1495C>T (p.His499Tyr)

Gene: ITGA7 (integrin subunit alpha 7; minus strand). Cytogenetic location: 12q13.2.
Variant type: single nucleotide variant.
Coding change: c.1495C>T on transcript NM_002206.3 (MANE Select); coding-DNA position 1495, C replaced by T.
Protein change: p.His499Tyr; replaces histidine 499 with tyrosine.
Molecular consequence: missense variant.
Genome position (GRCh38, 1-based): chr12:55,697,461, G>A on the plus strand (C>T on the coding strand, the complement: ITGA7 is on the minus strand). VCF-style: chr12-55697461-G-A. GRCh37 (hg19) VCF-style: chr12-56091245-G-A.
Other names: c.1507C>T, p.His503Tyr (NM_001144996.2, NM_001414029.1); c.1216C>T, p.His406Tyr (NM_001144997.2); c.1168C>T, p.His390Tyr (NM_001367993.1); c.151C>T, p.His51Tyr (NM_001367994.1); c.1495C>T, p.His499Tyr (NM_001374465.1, NM_001414034.1); c.1627C>T, p.His543Tyr (NM_001410977.1); c.1420C>T, p.His474Tyr (NM_001414030.1); c.1408C>T, p.His470Tyr (NM_001414031.1); and 4 more; short protein forms H390Y, H499Y, H51Y, H406Y, H503Y, H543Y, H459Y, H438Y.
Identifiers: ClinVar variation 1350390 (VCV001350390.7), dbSNP rs376759983, ClinGen allele CA6615945.
Genomic context (GRCh38, chr12:55,697,461, plus strand): 5'-GAGGGCAGGGGAAGCTGCCAGGGTCCAGGTGCCACCCGATCCCACCTCACCAGACCGAGT[G>A]GCCGCCAGCACAGTTGGGCTGCTCCAGGTCGATGCTTCGTGGAGCAATAGAGACCTCATG-3'
Protein context (NP_002197.2, residues 489-509): DLEQPNCAGG[His499Tyr]SVCVDLRVCF

ClinVar aggregate classification (germline): Uncertain significance. Review status: criteria provided, multiple submitters, no conflicts (2 of 4 stars). 2 submissions from 2 submitters: Uncertain significance (2). Last evaluated 2022-11-17.

Conditions:
Congenital muscular dystrophy due to integrin alpha-7 deficiency. Also called: MYOPATHY, CONGENITAL, DUE TO INTEGRIN ALPHA-7 DEFICIENCY; Congenital muscular dystrophy with integrin alpha-7 deficiency; Muscular dystrophy, congenital, due to ITGA7 deficiency. Identifiers: Orphanet 34520, MedGen C2750786, MONDO:0013177, OMIM 613204.

Allele frequency attached by ClinVar (database versions not stated): gnomAD exomes below 0.00001 and 0.00001; gnomAD 0.00001; TOPMed 0.00001; ExAC 0.00002; ESP Exome Variant Server 0.00008.
gnomAD v4.1: 11 of 1,613,944 alleles (0.00068%); highest among the groups gnomAD compares: Non-Finnish European, 0.00093%; no homozygotes.

Submissions (2):

Ambry Genetics
Classification: Uncertain significance. Last evaluated: 2022-11-17. Review status: criteria provided, single submitter. Criteria: Ambry Variant Classification Scheme 2023. Collection method: clinical testing. Allele origin: germline.

Labcorp Genetics (formerly Invitae), Labcorp
Classification: Uncertain significance for Congenital muscular dystrophy due to integrin alpha-7 deficiency. Last evaluated: 2021-02-25. Review status: criteria provided, single submitter. Criteria: Invitae Variant Classification Sherloc (09022015). Collection method: clinical testing. Allele origin: germline.
Comment: In summary, the available evidence is currently insufficient to determine the role of this variant in disease. Therefore, it has been classified as a Variant of Uncertain Significance. Algorithms developed to predict the effect of missense changes on protein structure and function (SIFT, PolyPhen-2, Align-GVGD) all suggest that this variant is likely to be tolerated, but these predictions have not been confirmed by published functional studies and their clinical significance is uncertain. This variant has not been reported in the literature in individuals with ITGA7-related conditions. This variant is present in population databases (rs376759983, ExAC 0.002%). This sequence change replaces histidine with tyrosine at codon 499 of the ITGA7 protein (p.His499Tyr). The histidine residue is weakly conserved and there is a moderate physicochemical difference between histidine and tyrosine.